The following is an entry in ClinVar:

NM_153676.4(USH1C):c.387+1G>A

Gene: USH1C (USH1 protein network component harmonin; minus strand). Cytogenetic location: 11p15.1.
Variant type: single nucleotide variant.
Coding change: c.387+1G>A on transcript NM_153676.4 (MANE Select); the canonical splice donor site of the intron after coding-DNA position 387, G replaced by A.
Molecular consequence: splice donor variant.
Genome position (GRCh38, 1-based): chr11:17,531,153, C>T on the plus strand (G>A on the coding strand, the complement: USH1C is on the minus strand). VCF-style: chr11-17531153-C-T. GRCh37 (hg19) VCF-style: chr11-17552700-C-T.
Other names: c.387+1G>A (NM_001297764.2, NM_005709.4).
Identifiers: ClinVar variation 1803234 (VCV001803234.6), dbSNP rs1850950786, ClinGen allele CA379796589.

ClinVar aggregate classification (germline): Likely pathogenic. Review status: criteria provided, multiple submitters, no conflicts (2 of 4 stars). 3 submissions from 3 submitters: Likely pathogenic (3). Last evaluated 2024-01-05.

Conditions:
Usher syndrome type 1C. Also called: USHER SYNDROME, TYPE I, ACADIAN VARIETY. Identifiers: Orphanet 231169, Orphanet 886, MedGen C1848604, MONDO:0010171, OMIM 276904.
Autosomal recessive nonsyndromic hearing loss 18A. Also called: Deafness, autosomal recessive 18A; DEAFNESS, AUTOSOMAL RECESSIVE 18. Identifiers: Orphanet 90636, MedGen C1865870, MONDO:0011192, OMIM 602092.

Allele frequency attached by ClinVar (database versions not stated): gnomAD exomes 0.00001.
gnomAD v4.1: 5 of 1,614,086 alleles (0.00031%); highest among the groups gnomAD compares: Non-Finnish European, 0.00042%; no homozygotes.

Submissions (3):

Baylor Genetics
Classification: Likely pathogenic for Autosomal recessive nonsyndromic hearing loss 18A. Last evaluated: 2024-01-05. Review status: criteria provided, single submitter. Criteria: ACMG Guidelines, 2015. Collection method: clinical testing. Allele origin: unknown.

Labcorp Genetics (formerly Invitae), Labcorp
Classification: Likely pathogenic. Last evaluated: 2023-09-03. Review status: criteria provided, single submitter. Criteria: Invitae Variant Classification Sherloc (09022015). Collection method: clinical testing. Allele origin: germline.
Comment: In summary, the currently available evidence indicates that the variant is pathogenic, but additional data are needed to prove that conclusively. Therefore, this variant has been classified as Likely Pathogenic. Algorithms developed to predict the effect of sequence changes on RNA splicing suggest that this variant may disrupt the consensus splice site. ClinVar contains an entry for this variant (Variation ID: 1803234). This variant has not been reported in the literature in individuals affected with USH1C-related conditions. This variant is not present in population databases (gnomAD no frequency). This sequence change affects a donor splice site in intron 4 of the USH1C gene. It is expected to disrupt RNA splicing. Variants that disrupt the donor or acceptor splice site typically lead to a loss of protein function (PMID: 16199547), and loss-of-function variants in USH1C are known to be pathogenic (PMID: 10973247, 17407589, 20301442, 21203349).

Genetics and Molecular Pathology, SA Pathology
Classification: Likely pathogenic for Usher syndrome type 1C. Last evaluated: 2021-01-07. Review status: criteria provided, single submitter. Criteria: ACMG Guidelines, 2015. Collection method: clinical testing. Allele origin: germline. Affected: yes.

Literature cited by the submitters: PubMed 16199547 (cited by Labcorp Genetics (formerly Invitae), Labcorp); PubMed 10973247 (cited by Labcorp Genetics (formerly Invitae), Labcorp); PubMed 17407589 (cited by Labcorp Genetics (formerly Invitae), Labcorp); PubMed 20301442 (cited by Labcorp Genetics (formerly Invitae), Labcorp); PubMed 21203349 (cited by Labcorp Genetics (formerly Invitae), Labcorp).